The following is an entry in ClinVar:

ClinVar aggregate classification (germline): Benign. Review status: criteria provided, multiple submitters, no conflicts (2 of 4 stars). 3 submissions from 3 submitters: Benign (2). 1 of the submissions does not count toward it. Last evaluated 2025-05-27.

Conditions:
MYH14-related disorder. Also called: MYH14-related condition.

Allele frequency attached by ClinVar (database versions not stated): TOPMed 0.00011; ESP Exome Variant Server 0.00032; 1000 Genomes Project 30x 0.00062; 1000 Genomes Project 0.00080; gnomAD exomes 0.00096 and 0.00221; ExAC 0.00145; gnomAD 0.00210 and 0.00223.
gnomAD v4.1: 1,679 of 1,613,852 alleles (0.1%); highest among the groups gnomAD compares: Middle Eastern, 0.033%; 19 homozygotes.

Submissions (3):

Labcorp Genetics (formerly Invitae), Labcorp
Classification: Benign. Last evaluated: 2025-05-27. Review status: criteria provided, single submitter. Criteria: Invitae Variant Classification Sherloc (09022015). Collection method: clinical testing. Allele origin: germline.

Laboratory for Molecular Medicine, Mass General Brigham Personalized Medicine
Classification: Benign. Last evaluated: 2017-08-25. Review status: criteria provided, single submitter. Criteria: LMM Criteria. Collection method: clinical testing. Allele origin: germline. Observed: 1 variant allele.
Comment: p.Arg1845Trp in exon 40 of MYH14: This variant is not expected to have clinical significance because it has been identified in 2.3% (590/25778) of Finnish chrom osomes including 6 homozygotes by the Genome Aggregation Database (gnomAD; dbSNP rs199600574).

PreventionGenetics, part of Exact Sciences
Classification: Benign for MYH14-related condition. Last evaluated: 2019-03-20. Review status: no assertion criteria provided. Collection method: clinical testing. Allele origin: germline. Not counted in ClinVar's aggregate classification.
Comment: This variant is classified as benign based on ACMG/AMP sequence variant interpretation guidelines (Richards et al. 2015 PMID: 25741868, with internal and published modifications).

NM_001145809.2(MYH14):c.5533C>T (p.Arg1845Trp)

Gene: MYH14 (myosin heavy chain 14; plus strand). Cytogenetic location: 19q13.33.
Variant type: single nucleotide variant.
Coding change: c.5533C>T on transcript NM_001145809.2 (MANE Select); coding-DNA position 5533, C replaced by T.
Protein change: p.Arg1845Trp; replaces arginine 1845 with tryptophan.
Molecular consequence: missense variant.
Genome position (GRCh38, 1-based): chr19:50,301,724, C>T. VCF-style: chr19-50301724-C-T. GRCh37 (hg19) VCF-style: chr19-50804981-C-T.
Other names: c.5434C>T, p.Arg1812Trp (NM_001077186.2); c.5410C>T, p.Arg1804Trp (NM_024729.4); short protein forms R1845W, R1804W, R1812W.
Identifiers: ClinVar variation 504620 (VCV000504620.14), dbSNP rs199600574, ClinGen allele CA9593839.
Genomic context (GRCh38, chr19:50,301,724, plus strand): 5'-GAGTCACTGACCACAGAGCTGTCAGCTGAGCGCAGTTTCTCAGCCAAGGCAGAGAGCGGG[C>T]GGCAGCAGCTGGAACGGCAGATCCAGGAGCTACGGGGACGCCTGGGTGAGGAGGATGCTG-3'
Protein context (NP_001139281.1, residues 1835-1855): RSFSAKAESG[Arg1845Trp]QQLERQIQEL